The following is an entry in ClinVar:

NM_000077.5(CDKN2A):c.436G>C (p.Asp146His)

Gene: CDKN2A (cyclin dependent kinase inhibitor 2A; minus strand). Cytogenetic location: 9p21.3.
Variant type: single nucleotide variant.
Coding change: c.436G>C on transcript NM_000077.5; coding-DNA position 436, G replaced by C.
Protein change: p.Asp146His; replaces aspartic acid 146 with histidine.
Molecular consequence: missense variant (on NM_000077.6). On other transcripts: 3 prime UTR variant (2).
Genome position (GRCh38, 1-based): chr9:21,970,923, C>G on the plus strand (G>C on the coding strand, the complement: CDKN2A is on the minus strand). VCF-style: chr9-21970923-C-G. GRCh37 (hg19) VCF-style: chr9-21970922-C-G.
Other names: c.436G>C, p.Asp146His (NM_000077.6, NM_001195132.2); c.283G>C, p.Asp95His (NM_001363763.2); c.*80G>C (NM_058195.4); c.*359G>C (NM_058197.5); short protein forms D146H, D95H.
Identifiers: ClinVar variation 824834 (VCV000824834.5), dbSNP rs1563888589, ClinGen allele CA373085846.
Genomic context (GRCh38, chr9:21,970,923, plus strand): 5'-AGCTCTCAGGGTACAAATTCTCAGATCATCAGTCCTCACCTGAGGGACCTTCCGCGGCAT[C>G]TATGCGGGCATGGTTACTGCCTCTGGTGCCCCCCGCAGCCGCGCGCAGGTACCGTGCGAC-3'
Protein context (NP_000068.1, residues 136-156): GTRGSNHARI[Asp146His]AAEGPSDIPD

ClinVar aggregate classification (germline): Uncertain significance (1 of 4 stars; one submission).

Conditions:
Hereditary cancer-predisposing syndrome. Also called: Neoplastic Syndromes, Hereditary; Tumor predisposition; Hereditary Cancer Syndrome; Hereditary neoplastic syndrome. Identifiers: Orphanet 140162, MedGen C0027672, MeSH D009386, MONDO:0015356.

gnomAD v4.1: 1 of 1,612,492 alleles (0.000062%); highest among the groups gnomAD compares: Non-Finnish European, 0.000085%; no homozygotes.

Submission:

Ambry Genetics
Classification: Uncertain significance for Hereditary cancer-predisposing syndrome. Last evaluated: 2024-03-27. Review status: criteria provided, single submitter. Criteria: Ambry Variant Classification Scheme 2023. Collection method: clinical testing. Allele origin: germline.
Comment: The p.D146H variant (also known as c.436G>C), located in coding exon 2 of the CDKN2A gene, results from a G to C substitution at nucleotide position 436. The aspartic acid at codon 146 is replaced by histidine, an amino acid with similar properties. This amino acid position is not well conserved in available vertebrate species. In addition, this alteration is predicted to be tolerated by in silico analysis. Since supporting evidence is limited at this time, the clinical significance of this alteration remains unclear.